The following is an entry in ClinVar:

ClinVar aggregate classification (germline): Likely benign (1 of 4 stars; one submission).

Allele frequency attached by ClinVar (database versions not stated): gnomAD exomes below 0.00001; TOPMed below 0.00001; gnomAD 0.00001.
gnomAD v4.1: 4 of 1,612,242 alleles (0.00025%); highest among the groups gnomAD compares: Non-Finnish European, 0.00034%; no homozygotes.

Submission:

CeGaT Center for Human Genetics Tuebingen
Classification: Likely benign. Last evaluated: 2022-11-01. Review status: criteria provided, single submitter. Criteria: CeGaT Center For Human Genetics Tuebingen Variant Classification Criteria Version 2. Collection method: clinical testing. Allele origin: germline. Affected: yes. Observed: 1 variant allele.
Comment: CLEC16A: BP4, BP7

NM_015226.3(CLEC16A):c.2073T>G (p.Thr691=)

Gene: CLEC16A (C-type lectin domain containing 16A; plus strand). Cytogenetic location: 16p13.13.
Variant type: single nucleotide variant.
Coding change: c.2073T>G on transcript NM_015226.3 (MANE Select); coding-DNA position 2073, T replaced by G.
Protein change: p.Thr691=; no amino-acid change (threonine 691 retained).
Molecular consequence: synonymous variant.
Genome position (GRCh38, 1-based): chr16:11,060,979, T>G. VCF-style: chr16-11060979-T-G. GRCh37 (hg19) VCF-style: chr16-11154836-T-G.
Other names: c.2019T>G, p.Thr673= (NM_001243403.2); c.2067T>G, p.Thr689= (NM_001410905.1).
Identifiers: ClinVar variation 2646208 (VCV002646208.24), dbSNP rs1175413524, ClinGen allele CA493586731.
Genomic context (GRCh38, chr16:11,060,979, plus strand): 5'-CATGCTGCGTTCCCTGTCACTGCAATTGCGAGGGGAGCCTGAGACACAGTTGCCGCTGAC[T>G]CGGGAGGAGGACCTGATCAAGACTGATGATGTCCTGGATCTGAGTGAGTTGGCTGCTCTG-3'
Protein context (NP_056041.1, residues 681-701): RGEPETQLPL[Thr691=]REEDLIKTDD